The following is an entry in ClinVar:

ClinVar aggregate classification (germline): Uncertain significance (1 of 4 stars; one submission).

Submission:

GeneDx
Classification: Uncertain significance. Last evaluated: 2023-02-14. Review status: criteria provided, single submitter. Criteria: GeneDx Variant Classification Process June 2021. Collection method: clinical testing. Allele origin: germline. Affected: yes.
Comment: Not observed at significant frequency in large population cohorts (gnomAD); In silico analysis supports that this missense variant has a deleterious effect on protein structure/function; Has not been previously published as pathogenic or benign to our knowledge

NM_006372.5(SYNCRIP):c.485C>A (p.Thr162Asn)

Gene: SYNCRIP (synaptotagmin binding cytoplasmic RNA interacting protein; minus strand). Cytogenetic location: 6q14.3.
Variant type: single nucleotide variant.
Coding change: c.485C>A on transcript NM_006372.5 (MANE Select); coding-DNA position 485, C replaced by A.
Protein change: p.Thr162Asn; replaces threonine 162 with asparagine.
Molecular consequence: missense variant. On other transcripts: intron variant (1).
Genome position (GRCh38, 1-based): chr6:85,637,247, G>T on the plus strand (C>A on the coding strand, the complement: SYNCRIP is on the minus strand). VCF-style: chr6-85637247-G-T. GRCh37 (hg19) VCF-style: chr6-86346965-G-T.
Other names: c.191C>A, p.Thr64Asn (NM_001159673.2, NM_001410938.1); c.485C>A, p.Thr162Asn (NM_001159674.2, NM_001159675.2, NM_001159676.2 and 1 more transcripts); c.33+22C>A (NM_001253771.2); short protein forms T162N, T64N.
Identifiers: ClinVar variation 2575665 (VCV002575665.1), dbSNP rs2537968287, ClinGen allele CA364906085.